The following is an entry in ClinVar:

NM_000465.4(BARD1):c.1483G>A (p.Asp495Asn)

Gene: BARD1 (BRCA1 associated RING domain 1; minus strand). Cytogenetic location: 2q35.
Variant type: single nucleotide variant.
Coding change: c.1483G>A on transcript NM_000465.4 (MANE Select); coding-DNA position 1483, G replaced by A.
Protein change: p.Asp495Asn; replaces aspartic acid 495 with asparagine.
Molecular consequence: missense variant. On other transcripts: non-coding transcript variant (3), intron variant (3).
Genome position (GRCh38, 1-based): chr2:214,767,567, C>T on the plus strand (G>A on the coding strand, the complement: BARD1 is on the minus strand). VCF-style: chr2-214767567-C-T. GRCh37 (hg19) VCF-style: chr2-215632291-C-T.
Other names: c.1426G>A, p.Asp476Asn (NM_001282543.2); c.159-15012G>A (NM_001282548.2); c.216-15012G>A (NM_001282545.2); c.364+24730G>A (NM_001282549.2); c.1483G>A (NM_000465.2); short protein forms D495N, D476N.
Identifiers: ClinVar variation 2840185 (VCV002840185.4), dbSNP rs1694269289, ClinGen allele CA350448422.

ClinVar aggregate classification (germline): Uncertain significance. Review status: criteria provided, multiple submitters, no conflicts (2 of 4 stars). 2 submissions from 2 submitters: Uncertain significance (2). Last evaluated 2025-12-17.

Conditions:
Hereditary cancer-predisposing syndrome. Also called: Tumor predisposition; Neoplastic Syndromes, Hereditary; Hereditary Cancer Syndrome; Hereditary neoplastic syndrome. Identifiers: Orphanet 140162, MedGen C0027672, MeSH D009386, MONDO:0015356.
Familial cancer of breast. Also called: hereditary breast carcinoma; BREAST CANCER, FAMILIAL; Hereditary breast cancer. Identifiers: Orphanet 227535, MedGen C0346153, MONDO:0016419, OMIM 114480. Disease mechanism: loss of function.

Submissions (2):

Labcorp Genetics (formerly Invitae), Labcorp
Classification: Uncertain significance for Familial cancer of breast. Last evaluated: 2025-12-17. Review status: criteria provided, single submitter. Criteria: Invitae Variant Classification Sherloc (09022015). Collection method: clinical testing. Allele origin: germline.
Comment: This sequence change replaces aspartic acid, which is acidic and polar, with asparagine, which is neutral and polar, at codon 495 of the BARD1 protein (p.Asp495Asn). This variant is not present in population databases (gnomAD no frequency). This variant has not been reported in the literature in individuals affected with BARD1-related conditions. ClinVar contains an entry for this variant (Variation ID: 2840185). An algorithm developed to predict the effect of missense changes on protein structure and function (PolyPhen-2) suggests that this variant is likely to be disruptive. In summary, the available evidence is currently insufficient to determine the role of this variant in disease. Therefore, it has been classified as a Variant of Uncertain Significance.

Ambry Genetics
Classification: Uncertain significance for Hereditary cancer-predisposing syndrome. Last evaluated: 2024-05-01. Review status: criteria provided, single submitter. Criteria: Ambry Variant Classification Scheme 2023. Collection method: clinical testing. Allele origin: germline.
Comment: The p.D495N variant (also known as c.1483G>A), located in coding exon 6 of the BARD1 gene, results from a G to A substitution at nucleotide position 1483. The aspartic acid at codon 495 is replaced by asparagine, an amino acid with highly similar properties. This amino acid position is conserved. In addition, this alteration is predicted to be tolerated by in silico analysis. Based on the available evidence, the clinical significance of this variant remains unclear.